The following is an entry in ClinVar:

NM_000081.4(LYST):c.3474G>T (p.Lys1158Asn)

Gene: LYST (lysosomal trafficking regulator; minus strand). Cytogenetic location: 1q42.3.
Variant type: single nucleotide variant.
Coding change: c.3474G>T on transcript NM_000081.4 (MANE Select); coding-DNA position 3474, G replaced by T.
Protein change: p.Lys1158Asn; replaces lysine 1158 with asparagine.
Molecular consequence: missense variant.
Genome position (GRCh38, 1-based): chr1:235,804,585, C>A on the plus strand (G>T on the coding strand, the complement: LYST is on the minus strand). VCF-style: chr1-235804585-C-A. GRCh37 (hg19) VCF-style: chr1-235967885-C-A.
Other names: c.3474G>T, p.Lys1158Asn (NM_001301365.1); short protein forms K1158N.
Identifiers: ClinVar variation 1524787 (VCV001524787.7), dbSNP rs2527054767, ClinGen allele CA344948834.

ClinVar aggregate classification (germline): Uncertain significance (1 of 4 stars; one submission).

Conditions:
Chédiak-Higashi syndrome (CHS). Also called: Chediak-Higashi Syndrome. Identifiers: Orphanet 167, MedGen C0007965, MONDO:0008963, OMIM 214500.

Allele frequency attached by ClinVar (database versions not stated): gnomAD exomes below 0.00001.
gnomAD v4.1: 1 of 1,611,696 alleles (0.000062%); highest among the groups gnomAD compares: South Asian, 0.0011%; no homozygotes.

Submission:

Labcorp Genetics (formerly Invitae), Labcorp
Classification: Uncertain significance for Chédiak-Higashi syndrome. Last evaluated: 2024-12-02. Review status: criteria provided, single submitter. Criteria: Invitae Variant Classification Sherloc (09022015). Collection method: clinical testing. Allele origin: germline.
Comment: This sequence change replaces lysine, which is basic and polar, with asparagine, which is neutral and polar, at codon 1158 of the LYST protein (p.Lys1158Asn). This variant is not present in population databases (gnomAD no frequency). This variant has not been reported in the literature in individuals affected with LYST-related conditions. ClinVar contains an entry for this variant (Variation ID: 1524787). Invitae Evidence Modeling of protein sequence and biophysical properties (such as structural, functional, and spatial information, amino acid conservation, physicochemical variation, residue mobility, and thermodynamic stability) indicates that this missense variant is not expected to disrupt LYST protein function with a negative predictive value of 80%. In summary, the available evidence is currently insufficient to determine the role of this variant in disease. Therefore, it has been classified as a Variant of Uncertain Significance.